The following is an entry in ClinVar:

ClinVar aggregate classification (germline): Conflicting classifications of pathogenicity. Review status: criteria provided, conflicting classifications (1 of 4 stars). 5 submissions from 4 submitters: Uncertain significance (4); Likely benign (1). Last evaluated 2025-10-15.

Conditions:
Leber congenital amaurosis 11 (LCA11). Identifiers: Orphanet 65, MedGen C1840284, MONDO:0013454, OMIM 613837.
IMPDH1-related disorder. Also called: IMPDH1-related condition; IMPDH1-related disorders.
Retinitis pigmentosa (RP). Identifiers: Orphanet 791, MedGen C0035334, MeSH D012174, MONDO:0019200, OMIM 268000. Inheritance: Autosomal dominant, autosomal recessive and X linked inheritance.

Allele frequency attached by ClinVar (database versions not stated): gnomAD 0.00018 and 0.00016; ESP Exome Variant Server 0.00046; TOPMed 0.00017.
gnomAD v4.1: 478 of 1,613,770 alleles (0.03%); highest among the groups gnomAD compares: Non-Finnish European, 0.037%; 1 homozygote.

Submissions (5):

PreventionGenetics, part of Exact Sciences
Classification: Uncertain significance for IMPDH1-related condition. Last evaluated: 2025-10-15. Review status: criteria provided, single submitter. Criteria: ACMG Guidelines, 2015. Collection method: clinical testing. Allele origin: germline.
Comment: The IMPDH1 c.841G>C variant is predicted to result in the amino acid substitution p.Glu281Gln. To our knowledge, this variant has not been reported in the literature. This variant is reported in 0.019% of alleles in individuals of European (Non-Finnish) descent in gnomAD, which is likely too frequent to be a primary cause of disease. Although we suspect that this variant may be benign, at this time, the clinical significance of this variant is uncertain due to the absence of conclusive functional and genetic evidence.

Labcorp Genetics (formerly Invitae), Labcorp
Classification: Uncertain significance. Last evaluated: 2025-05-29. Review status: criteria provided, single submitter. Criteria: Invitae Variant Classification Sherloc (09022015). Collection method: clinical testing. Allele origin: germline.
Comment: This sequence change replaces glutamic acid, which is acidic and polar, with glutamine, which is neutral and polar, at codon 281 of the IMPDH1 protein (p.Glu281Gln). This variant is present in population databases (rs145014241, gnomAD 0.02%). This variant has not been reported in the literature in individuals affected with IMPDH1-related conditions. ClinVar contains an entry for this variant (Variation ID: 855604). An algorithm developed to predict the effect of missense changes on protein structure and function (PolyPhen-2) suggests that this variant is likely to be disruptive. In summary, the available evidence is currently insufficient to determine the role of this variant in disease. Therefore, it has been classified as a Variant of Uncertain Significance.

Blueprint Genetics
Classification: Likely benign. Last evaluated: 2023-03-30. Review status: criteria provided, single submitter. Criteria: ACMG Guidelines, 2015. Collection method: clinical testing. Allele origin: germline.

Illumina Laboratory Services, Illumina
Classification: Uncertain significance for Leber congenital amaurosis 11. Last evaluated: 2018-01-12. Review status: criteria provided, single submitter. Criteria: ICSL Variant Classification Criteria 13 December 2019. Collection method: clinical testing. Allele origin: germline.

Illumina Laboratory Services, Illumina
Classification: Uncertain significance for Retinitis pigmentosa. Last evaluated: 2018-01-12. Review status: criteria provided, single submitter. Criteria: ICSL Variant Classification Criteria 13 December 2019. Collection method: clinical testing. Allele origin: germline.

NM_000883.4(IMPDH1):c.841G>C (p.Glu281Gln)

Gene: IMPDH1 (inosine monophosphate dehydrogenase 1; minus strand). Cytogenetic location: 7q32.1.
Variant type: single nucleotide variant.
Coding change: c.841G>C on transcript NM_000883.4 (MANE Select); coding-DNA position 841, G replaced by C.
Protein change: p.Glu281Gln; replaces glutamic acid 281 with glutamine.
Molecular consequence: missense variant.
Genome position (GRCh38, 1-based): chr7:128,400,128, C>G on the plus strand (G>C on the coding strand, the complement: IMPDH1 is on the minus strand). VCF-style: chr7-128400128-C-G. GRCh37 (hg19) VCF-style: chr7-128040182-C-G.
Other names: c.811G>C, p.Glu271Gln (NM_001102605.2); c.586G>C, p.Glu196Gln (NM_001142573.2); c.571G>C, p.Glu191Gln (NM_001142574.2); c.511G>C, p.Glu171Gln (NM_001142575.2); c.742G>C, p.Glu248Gln (NM_001142576.2); c.634G>C, p.Glu212Gln (NM_001304521.2); c.733G>C, p.Glu245Gln (NM_183243.3); short protein forms E171Q, E196Q, E212Q, E271Q, E191Q, E245Q, E248Q, E281Q.
Identifiers: ClinVar variation 855604 (VCV000855604.14), dbSNP rs145014241, ClinGen allele CA4471019.
Genomic context (GRCh38, chr7:128,400,128, plus strand): 5'-TTGAGTTTTCAACTAGCTCCCTGGTACCTTTCTTGCTACGCTGCAGGATCTCATTTGCCT[C>G]TTTCAACGTCACACCTGCTGGAGCCACCACCAGTTCAATCCTTGGCGTCATCACCTGTGG-3'
Protein context (NP_000874.2, residues 271-291): VVAPAGVTLK[Glu281Gln]ANEILQRSKK